The following is an entry in ClinVar:

ClinVar aggregate classification (germline): Conflicting classifications of pathogenicity. Review status: criteria provided, conflicting classifications (1 of 4 stars). 2 submissions from 2 submitters: Uncertain significance (1); Likely benign (1). Last evaluated 2025-08-18.

Conditions:
Hereditary cancer-predisposing syndrome. Also called: Tumor predisposition; Hereditary Cancer Syndrome; Hereditary neoplastic syndrome; Neoplastic Syndromes, Hereditary. Identifiers: Orphanet 140162, MedGen C0027672, MeSH D009386, MONDO:0015356.
POLD1-related polyposis and colorectal cancer syndrome (CRCS10). Also called: Colorectal cancer 10; COLORECTAL CANCER, SUSCEPTIBILITY TO, ON CHROMOSOME 19q; Colorectal cancer, susceptibility to, 10. Identifiers: Orphanet 220460, MedGen C2675481, MONDO:0012953, OMIM 612591.

gnomAD v4.1: 1 of 1,600,528 alleles (0.000062%); highest among the groups gnomAD compares: African/African-American, 0.0013%; no homozygotes.

Submissions (2):

Ambry Genetics
Classification: Likely benign for Hereditary cancer-predisposing syndrome. Last evaluated: 2025-08-18. Review status: criteria provided, single submitter. Criteria: Ambry Variant Classification Scheme 2023. Collection method: clinical testing. Allele origin: germline.

Labcorp Genetics (formerly Invitae), Labcorp
Classification: Uncertain significance for POLD1-related polyposis and colorectal cancer syndrome. Last evaluated: 2019-12-06. Review status: criteria provided, single submitter. Criteria: Invitae Variant Classification Sherloc (09022015). Collection method: clinical testing. Allele origin: germline.
Comment: In summary, the available evidence is currently insufficient to determine the role of this variant in disease. Therefore, it has been classified as a Variant of Uncertain Significance. Algorithms developed to predict the effect of missense changes on protein structure and function are either unavailable or do not agree on the potential impact of this missense change (SIFT: "Tolerated"; PolyPhen-2: "Not available"; Align-GVGD: "Class C0"). This variant has not been reported in the literature in individuals with POLD1-related conditions. This variant is not present in population databases (ExAC no frequency). This sequence change replaces arginine with leucine at codon 19 of the POLD1 protein (p.Arg19Leu). The arginine residue is weakly conserved and there is a moderate physicochemical difference between arginine and leucine.

NM_002691.4(POLD1):c.56G>T (p.Arg19Leu)

Gene: POLD1 (DNA polymerase delta 1, catalytic subunit; plus strand). Cytogenetic location: 19q13.33.
Variant type: single nucleotide variant.
Coding change: c.56G>T on transcript NM_002691.4 (MANE Select); coding-DNA position 56, G replaced by T.
Protein change: p.Arg19Leu; replaces arginine 19 with leucine.
Molecular consequence: missense variant. On other transcripts: non-coding transcript variant (1).
Genome position (GRCh38, 1-based): chr19:50,398,907, G>T. VCF-style: chr19-50398907-G-T. GRCh37 (hg19) VCF-style: chr19-50902164-G-T.
Other names: c.56G>T, p.Arg19Leu (NM_001256849.1, NM_001308632.1); c.56G>T (NM_002691.2); short protein forms R19L.
Identifiers: ClinVar variation 841540 (VCV000841540.10), dbSNP rs3218773, ClinGen allele CA406970053.
Genomic context (GRCh38, chr19:50,398,907, plus strand): 5'-GCAGGATGGATGGCAAGCGGCGGCCAGGCCCAGGGCCCGGGGTGCCCCCAAAGCGGGCCC[G>T]TGGGGGCCTCTGGGATGATGATGATGCACCTCGGCCATCCCAATTCGAGGAGGACCTGGC-3'
Protein context (NP_002682.2, residues 9-29): PGPGVPPKRA[Arg19Leu]GGLWDDDDAP